The following is an entry in ClinVar:

ClinVar aggregate classification (germline): Uncertain significance. Review status: criteria provided, multiple submitters, no conflicts (2 of 4 stars). 2 submissions from 2 submitters: Uncertain significance (2). Last evaluated 2023-04-29.

Conditions:
Autosomal dominant childhood-onset proximal spinal muscular atrophy with contractures (SMALED2A). Also called: SPINAL MUSCULAR ATROPHY, LOWER EXTREMITY-PREDOMINANT, 2A, CHILDHOOD ONSET, AUTOSOMAL DOMINANT; Spinal muscular atrophy, lower extremity-predominant, 2A, autosomal dominant. Identifiers: Orphanet 363447, Orphanet 363454, MedGen C4747715, MONDO:0014121, OMIM 615290.

Submissions (2):

Labcorp Genetics (formerly Invitae), Labcorp
Classification: Uncertain significance for Autosomal dominant childhood-onset proximal spinal muscular atrophy with contractures. Last evaluated: 2023-04-29. Review status: criteria provided, single submitter. Criteria: Invitae Variant Classification Sherloc (09022015). Collection method: clinical testing. Allele origin: germline.
Comment: This variant, c.25_27del, results in the deletion of 1 amino acid(s) of the BICD2 protein (p.Glu9del), but otherwise preserves the integrity of the reading frame. The frequency data for this variant in the population databases is considered unreliable, as metrics indicate poor data quality at this position in the gnomAD database. This variant has not been reported in the literature in individuals affected with BICD2-related conditions. ClinVar contains an entry for this variant (Variation ID: 969431). In summary, the available evidence is currently insufficient to determine the role of this variant in disease. Therefore, it has been classified as a Variant of Uncertain Significance.

Breakthrough Genomics
Classification: Uncertain significance. Review status: criteria provided, single submitter. Criteria: ACMG Guidelines, 2015. Collection method: not provided. Allele origin: germline. Inheritance: Autosomal recessive inheritance. Affected: yes.

NM_001003800.2(BICD2):c.16GAG[3] (p.Glu9del)

Gene: BICD2 (BICD cargo adaptor 2; minus strand). Cytogenetic location: 9q22.31.
Variant type: Microsatellite.
Coding change: c.16GAG[3] on transcript NM_001003800.2 (MANE Select); three copies in a row of the 3-base unit GAG starting at c.16; the reference has four copies in a row; one copy, 3 bases deleted.
Protein change: p.Glu9del; deletes glutamic acid 9.
Molecular consequence: inframe deletion.
Genome position (GRCh38, 1-based): chr9:92,764,718-92,764,720, CTC deleted on the plus strand (GAG on the coding strand, the reverse complement: BICD2 is on the minus strand); deleting any 3 consecutive bases within chr9:92,764,718-92,764,730 gives the same sequence; the position shown is the placement nearest the transcript's 3' end. VCF-style (leftmost placement, unchanged base first): chr9-92764717-ACTC-A. GRCh37 (hg19) VCF-style: chr9-95526999-ACTC-A.
Other names: c.16GAG[3], p.Glu9del (NM_015250.4); short protein forms E9del.
Identifiers: ClinVar variation 969431 (VCV000969431.11), dbSNP rs751269137, ClinGen allele CA5126896.